The following continues an entry in ClinVar:

NM_000051.4(ATM):c.146C>G (p.Ser49Cys)

Gene: ATM. ClinVar aggregate classification (germline): Benign. Benign (1).

Literature cited by the submitters, continued: PubMed 22438227 (cited by Athena Diagnostics and Quest Diagnostics Nichols Institute San Juan Capistrano); PubMed 17203191 (cited by Athena Diagnostics and Quest Diagnostics Nichols Institute San Juan Capistrano); PubMed 15928302 (cited by Athena Diagnostics and Quest Diagnostics Nichols Institute San Juan Capistrano); PubMed 12708462 (cited by Athena Diagnostics and Quest Diagnostics Nichols Institute San Juan Capistrano); PubMed 17293864 (cited by Athena Diagnostics and Quest Diagnostics Nichols Institute San Juan Capistrano); PubMed 18164969 (cited by Athena Diagnostics and Quest Diagnostics Nichols Institute San Juan Capistrano); PubMed 22420423 (cited by Athena Diagnostics and Quest Diagnostics Nichols Institute San Juan Capistrano); PubMed 12673797 (cited by Athena Diagnostics and Quest Diagnostics Nichols Institute San Juan Capistrano); PubMed 12149228 (cited by Athena Diagnostics and Quest Diagnostics Nichols Institute San Juan Capistrano); PubMed 21396839 (cited by Athena Diagnostics and Quest Diagnostics Nichols Institute San Juan Capistrano); PubMed 9887333 (cited by 3 submitters); PubMed 20111735 (cited by Athena Diagnostics and Quest Diagnostics Nichols Institute San Juan Capistrano); PubMed 11078475 (cited by Athena Diagnostics and Quest Diagnostics Nichols Institute San Juan Capistrano); PubMed 19081671 (cited by Athena Diagnostics and Quest Diagnostics Nichols Institute San Juan Capistrano); PubMed 19347964 (cited by Athena Diagnostics and Quest Diagnostics Nichols Institute San Juan Capistrano); PubMed 10534763 (cited by Athena Diagnostics and Quest Diagnostics Nichols Institute San Juan Capistrano); PubMed 11606401 (cited by Athena Diagnostics and Quest Diagnostics Nichols Institute San Juan Capistrano); PubMed 12917204 (cited by Athena Diagnostics and Quest Diagnostics Nichols Institute San Juan Capistrano); PubMed 2677459 (cited by Athena Diagnostics and Quest Diagnostics Nichols Institute San Juan Capistrano); PubMed 26854966 (cited by Athena Diagnostics and Quest Diagnostics Nichols Institute San Juan Capistrano); PubMed 26774591 (cited by Athena Diagnostics and Quest Diagnostics Nichols Institute San Juan Capistrano); PubMed 31429931 (cited by Athena Diagnostics and Quest Diagnostics Nichols Institute San Juan Capistrano); PubMed 27599564 (cited by Athena Diagnostics and Quest Diagnostics Nichols Institute San Juan Capistrano); PubMed 24416720 (cited by Athena Diagnostics and Quest Diagnostics Nichols Institute San Juan Capistrano); PubMed 22995991 (cited by Athena Diagnostics and Quest Diagnostics Nichols Institute San Juan Capistrano); PubMed 8797579 (cited by Athena Diagnostics and Quest Diagnostics Nichols Institute San Juan Capistrano); PubMed 10425038 (cited by Athena Diagnostics and Quest Diagnostics Nichols Institute San Juan Capistrano); PubMed 10873394 (cited by Athena Diagnostics and Quest Diagnostics Nichols Institute San Juan Capistrano); PubMed 11897822 (cited by Athena Diagnostics and Quest Diagnostics Nichols Institute San Juan Capistrano); PubMed 15042666 (cited by 3 submitters); PubMed 25085752 (cited by Myriad Genetics, Inc.); PubMed 20826828 (cited by Women's Health and Genetics/Laboratory Corporation of America, LabCorp); PubMed 23585524 (cited by Women's Health and Genetics/Laboratory Corporation of America, LabCorp); PubMed 11897820 (cited by Women's Health and Genetics/Laboratory Corporation of America, LabCorp); PubMed 16998505 (cited by Women's Health and Genetics/Laboratory Corporation of America, LabCorp); PubMed 12362033 (cited by OMIM).